The following is an entry in ClinVar:

NM_001330078.2(NRXN1):c.40C>A (p.Leu14Met)

Gene: NRXN1 (neurexin 1; minus strand). Cytogenetic location: 2p16.3.
Variant type: single nucleotide variant.
Coding change: c.40C>A on transcript NM_001330078.2 (MANE Select); coding-DNA position 40, C replaced by A.
Protein change: p.Leu14Met; replaces leucine 14 with methionine.
Molecular consequence: missense variant.
Genome position (GRCh38, 1-based): chr2:51,028,234, G>T on the plus strand (C>A on the coding strand, the complement: NRXN1 is on the minus strand). VCF-style: chr2-51028234-G-T. GRCh37 (hg19) VCF-style: chr2-51255372-G-T.
Other names: c.40C>A, p.Leu14Met (NM_001135659.3, NM_001330077.2, NM_001330079.2 and 15 more transcripts); short protein forms L14M.
Identifiers: ClinVar variation 857082 (VCV000857082.9), dbSNP rs1670928980, ClinGen allele CA346824834.
Genomic context (GRCh38, chr2:51,028,234, plus strand): 5'-GAAACTCCAGCCCGCTGCCCAGCTCCGCCCAGCAGCCCAGGAGCAGCAGCGAGAGGCACA[G>T]AAGAAAACAGCCCCCGCGCTGGAGCAGCGCCGTCCCCATGCTCGGGGCTGGGGTGCGGCG-3'
Protein context (NP_001317007.1, residues 4-24): ALLQRGGCFL[Leu14Met]CLSLLLLGCW

ClinVar aggregate classification (germline): Uncertain significance (1 of 4 stars; one submission).

Conditions:
Pitt-Hopkins-like syndrome 2 (PTHSL2). Identifiers: Orphanet 221150, Orphanet 600663, MedGen C3280479, MONDO:0013690, OMIM 614325.

gnomAD v4.1: 1 of 1,472,332 alleles (0.000068%); highest among the groups gnomAD compares: Non-Finnish European, 0.000089%; no homozygotes.

Submission:

Labcorp Genetics (formerly Invitae), Labcorp
Classification: Uncertain significance for Pitt-Hopkins-like syndrome 2. Last evaluated: 2019-04-13. Review status: criteria provided, single submitter. Criteria: Invitae Variant Classification Sherloc (09022015). Collection method: clinical testing. Allele origin: germline.
Comment: This sequence change replaces leucine with methionine at codon 14 of the NRXN1 protein (p.Leu14Met). The leucine residue is moderately conserved and there is a small physicochemical difference between leucine and methionine. The frequency data for this variant in the population databases is considered unreliable, as metrics indicate insufficient coverage at this position in the ExAC database. This variant has not been reported in the literature in individuals with NRXN1-related conditions. Algorithms developed to predict the effect of missense changes on protein structure and function (SIFT, PolyPhen-2, Align-GVGD) all suggest that this variant is likely to be tolerated, but these predictions have not been confirmed by published functional studies and their clinical significance is uncertain. In summary, the available evidence is currently insufficient to determine the role of this variant in disease. Therefore, it has been classified as a Variant of Uncertain Significance.